The following is an entry in ClinVar:

ClinVar aggregate classification (germline): Uncertain significance (1 of 4 stars; one submission).

Submission:

Ambry Genetics
Classification: Uncertain significance. Last evaluated: 2024-10-11. Review status: criteria provided, single submitter. Criteria: Ambry Variant Classification Scheme 2023. Collection method: clinical testing. Allele origin: germline.
Comment: The p.I530V variant (also known as c.1588A>G), located in coding exon 16 of the KIF1B gene, results from an A to G substitution at nucleotide position 1588. The isoleucine at codon 530 is replaced by valine, an amino acid with highly similar properties. This amino acid position is conserved. In addition, the in silico prediction for this alteration is inconclusive. Based on the available evidence, the clinical significance of this variant remains unclear.

NM_001365951.3(KIF1B):c.1726A>G (p.Ile576Val)

Gene: KIF1B (kinesin family member 1B; plus strand). Cytogenetic location: 1p36.22.
Variant type: single nucleotide variant.
Coding change: c.1726A>G on transcript NM_001365951.3 (MANE Select); coding-DNA position 1726, A replaced by G.
Protein change: p.Ile576Val; replaces isoleucine 576 with valine.
Molecular consequence: missense variant.
Genome position (GRCh38, 1-based): chr1:10,295,715, A>G. VCF-style: chr1-10295715-A-G. GRCh37 (hg19) VCF-style: chr1-10355773-A-G.
Other names: c.1726A>G, p.Ile576Val (NM_001365952.1); c.1588A>G, p.Ile530Val (NM_001365953.1, NM_015074.3, NM_183416.4); short protein forms I576V, I530V.
Identifiers: ClinVar variation 3534043 (VCV003534043.1).